The following is an entry in ClinVar:

ClinVar aggregate classification (germline): Likely pathogenic (1 of 4 stars; one submission).

Submission:

Labcorp Genetics (formerly Invitae), Labcorp
Classification: Likely pathogenic. Last evaluated: 2022-02-03. Review status: criteria provided, single submitter. Criteria: Invitae Variant Classification Sherloc (09022015). Collection method: clinical testing. Allele origin: germline.
Comment: In summary, the currently available evidence indicates that the variant is pathogenic, but additional data are needed to prove that conclusively. Therefore, this variant has been classified as Likely Pathogenic. This variant has not been reported in the literature in individuals affected with EYS-related conditions. This variant results in a copy number gain of the genomic region encompassing exon(s) 13-15 of the EYS gene. While the exact position of this variant cannot be determined from the data, sub-genic copy number gains are generally in tandem (PMID: 25640679). This variant is predicted to be out-of-frame, and may result in an absent or disrupted protein product. Loss-of-function variants in EYS are known to be pathogenic (PMID: 18836446, 20333770).

Literature cited by the submitters: PubMed 25640679; PubMed 18836446; PubMed 20333770.

NC_000006.11:g.(?_65655666)_(65767640_?)dup

Gene: EYS (eyes shut homolog; minus strand). Cytogenetic location: 6q12.
Variant type: Duplication.
Identifiers: ClinVar variation 1066058 (VCV001066058.6).